The following is an entry in ClinVar:

ClinVar aggregate classification (germline): Uncertain significance (1 of 4 stars; one submission).

Allele frequency attached by ClinVar (database versions not stated): TOPMed 0.00004; ExAC 0.00001; gnomAD 0.00002.
gnomAD v4.1: 18 of 1,613,874 alleles (0.0011%); highest among the groups gnomAD compares: Admixed American, 0.0067%; no homozygotes.

Submission:

Labcorp Genetics (formerly Invitae), Labcorp
Classification: Uncertain significance. Last evaluated: 2026-01-22. Review status: criteria provided, single submitter. Criteria: Invitae Variant Classification Sherloc (09022015). Collection method: clinical testing. Allele origin: germline.
Comment: This sequence change replaces leucine, which is neutral and non-polar, with proline, which is neutral and non-polar, at codon 74 of the ADGRE2 protein (p.Leu74Pro). This variant is present in population databases (rs778777170, gnomAD 0.006%). This variant has not been reported in the literature in individuals affected with ADGRE2-related conditions. ClinVar contains an entry for this variant (Variation ID: 2898538). An algorithm developed to predict the effect of missense changes on protein structure and function outputs the following: PolyPhen-2: "Benign". The proline amino acid residue is found in multiple mammalian species, which suggests that this missense change does not adversely affect protein function. In summary, the available evidence is currently insufficient to determine the role of this variant in disease. Therefore, it has been classified as a Variant of Uncertain Significance.

NM_013447.4(ADGRE2):c.221T>C (p.Leu74Pro)

Gene: ADGRE2 (adhesion G protein-coupled receptor E2; minus strand). Cytogenetic location: 19p13.12.
Variant type: single nucleotide variant.
Coding change: c.221T>C on transcript NM_013447.4 (MANE Select); coding-DNA position 221, T replaced by C.
Protein change: p.Leu74Pro; replaces leucine 74 with proline.
Molecular consequence: missense variant.
Genome position (GRCh38, 1-based): chr19:14,772,476, A>G on the plus strand (T>C on the coding strand, the complement: ADGRE2 is on the minus strand). VCF-style: chr19-14772476-A-G. GRCh37 (hg19) VCF-style: chr19-14883288-A-G.
Other names: c.221T>C, p.Leu74Pro (NM_001271052.1, NM_152916.2, NM_152917.2); short protein forms L74P.
Identifiers: ClinVar variation 2898538 (VCV002898538.3), dbSNP rs778777170, ClinGen allele CA9258240.